The following is an entry in ClinVar:

NM_000548.5(TSC2):c.5209C>G (p.Pro1737Ala)

Gene: TSC2 (TSC complex subunit 2; plus strand). Cytogenetic location: 16p13.3.
Variant type: single nucleotide variant.
Coding change: c.5209C>G on transcript NM_000548.5 (MANE Select); coding-DNA position 5209, C replaced by G.
Protein change: p.Pro1737Ala; replaces proline 1737 with alanine.
Molecular consequence: missense variant.
Genome position (GRCh38, 1-based): chr16:2,088,275, C>G. VCF-style: chr16-2088275-C-G. GRCh37 (hg19) VCF-style: chr16-2138276-C-G.
Other names: c.5011C>G, p.Pro1671Ala (NM_001363528.2); c.5077C>G, p.Pro1693Ala (NM_001370404.1); c.5068C>G, p.Pro1690Ala (NM_001370405.1); c.5080C>G, p.Pro1694Ala (NM_021055.3); c.4900C>G, p.Pro1634Ala (NM_001318827.2); c.4864C>G, p.Pro1622Ala (NM_001318829.2); c.4477C>G, p.Pro1493Ala (NM_001318831.2); c.5041C>G, p.Pro1681Ala (NM_001318832.2); and 2 more; short protein forms P1634A, P1694A, P1493A, P1690A, P1714A, P1737A, P1622A, P1670A.
Identifiers: ClinVar variation 825547 (VCV000825547.9), dbSNP rs780112037, ClinGen allele CA394314331.

ClinVar aggregate classification (germline): Conflicting classifications of pathogenicity. Review status: criteria provided, conflicting classifications (1 of 4 stars). 2 submissions from 2 submitters: Uncertain significance (1); Benign (1). Last evaluated 2026-01-19.

Conditions:
Tuberous sclerosis 2 (TSC2). Identifiers: Orphanet 805, MedGen C1860707, MONDO:0013199, OMIM 613254.
Hereditary cancer-predisposing syndrome. Also called: Neoplastic Syndromes, Hereditary; Hereditary Cancer Syndrome; Hereditary neoplastic syndrome; Tumor predisposition. Identifiers: Orphanet 140162, MedGen C0027672, MeSH D009386, MONDO:0015356.

gnomAD v4.1: 10 of 1,601,090 alleles (0.00062%); highest among the groups gnomAD compares: Non-Finnish European, 0.00085%; no homozygotes.

Submissions (2):

Labcorp Genetics (formerly Invitae), Labcorp
Classification: Benign for Tuberous sclerosis 2. Last evaluated: 2026-01-19. Review status: criteria provided, single submitter. Criteria: Invitae Variant Classification Sherloc (09022015). Collection method: clinical testing. Allele origin: germline.

Ambry Genetics
Classification: Uncertain significance for Hereditary cancer-predisposing syndrome. Last evaluated: 2019-11-13. Review status: criteria provided, single submitter. Criteria: Ambry Variant Classification Scheme 2023. Collection method: clinical testing. Allele origin: germline.
Comment: The p.P1737A variant (also known as c.5209C>G), located in coding exon 40 of the TSC2 gene, results from a C to G substitution at nucleotide position 5209. The proline at codon 1737 is replaced by alanine, an amino acid with highly similar properties. This amino acid position is well conserved in available vertebrate species. In addition, the in silico prediction for this alteration is inconclusive. Since supporting evidence is limited at this time, the clinical significance of this alteration remains unclear.